The following is an entry in ClinVar:

NM_000059.4(BRCA2):c.2096_2098dup (p.Leu700Ter)

Gene: BRCA2 (BRCA2 DNA repair associated; plus strand). Cytogenetic location: 13q13.1.
Variant type: Duplication.
Coding change: c.2096_2098dup on transcript NM_000059.4 (MANE Select); coding-DNA positions 2096 to 2098, 3 bases duplicated (AGT; older notation c.2096_2098dupAGT).
Protein change: p.Leu700Ter; replaces leucine 700 with a stop codon.
Molecular consequence: nonsense.
Genome position (GRCh38, 1-based): chr13:32,336,451-32,336,453, AGT duplicated. VCF-style (leftmost placement, unchanged base first): chr13-32336450-C-CAGT. GRCh37 (hg19) VCF-style: chr13-32910587-C-CAGT.
Other names: c.2096_2098dup, p.Leu700_Ile1034delinsTer (NM_001406719.1, NM_001406720.1); c.2096_2098dupAGT (NM_000059.3); short protein forms L700*.
Identifiers: ClinVar variation 1785792 (VCV001785792.2), dbSNP rs2548523164, ClinGen allele CA2580087200.

ClinVar aggregate classification (germline): Pathogenic (1 of 4 stars; one submission).

Conditions:
Hereditary cancer-predisposing syndrome. Also called: Neoplastic Syndromes, Hereditary; Tumor predisposition; Hereditary Cancer Syndrome; Hereditary neoplastic syndrome. Identifiers: Orphanet 140162, MedGen C0027672, MeSH D009386, MONDO:0015356.

Submission:

Ambry Genetics
Classification: Pathogenic for Hereditary cancer-predisposing syndrome. Last evaluated: 2021-10-20. Review status: criteria provided, single submitter. Criteria: Ambry Variant Classification Scheme 2023. Collection method: clinical testing. Allele origin: germline.
Comment: The c.2096_2098dupAGT pathogenic mutation (also known as p.L700*), located in coding exon 10 of the BRCA2 gene, results from an in-frame duplication of AGT at nucleotide positions 2096 to 2098. This results in an immediate stop codon at amino acid 700. This variant is considered to be rare based on population cohorts in the Genome Aggregation Database (gnomAD). This alteration is expected to result in loss of function by premature protein truncation or nonsense-mediatedmRNAdecay.As such, this alteration is interpreted as a disease-causing mutation.

Literature cited by the submitters: PubMed 20104584.